The following is an entry in ClinVar:

NM_001040142.2(SCN2A):c.4661A>G (p.Asp1554Gly)

Gene: SCN2A (sodium voltage-gated channel alpha subunit 2; plus strand). Cytogenetic location: 2q24.3.
Variant type: single nucleotide variant.
Coding change: c.4661A>G on transcript NM_001040142.2 (MANE Select); coding-DNA position 4661, A replaced by G.
Protein change: p.Asp1554Gly; replaces aspartic acid 1554 with glycine.
Molecular consequence: missense variant.
Genome position (GRCh38, 1-based): chr2:165,386,855, A>G. VCF-style: chr2-165386855-A-G. GRCh37 (hg19) VCF-style: chr2-166243365-A-G.
Other names: p.D1554G:GAC>GGC; c.4661A>G, p.Asp1554Gly (NM_001040143.2, NM_001371246.1, NM_001371247.1 and 1 more transcripts); short protein forms D1554G.
Identifiers: ClinVar variation 207084 (VCV000207084.3), dbSNP rs796053200, ClinGen allele CA318196.
Genomic context (GRCh38, chr2:165,386,855, plus strand): 5'-ATATCAGCATCATGATCCTCATCTGCCTTAACATGGTCACCATGATGGTGGAAACCGATG[A>G]CCAGAGTCAAGAAATGACAAACATTCTGTACTGGATTAATCTGGTGTTTATTGTTCTGTT-3'
Protein context (NP_001035232.1, residues 1544-1564): NMVTMMVETD[Asp1554Gly]QSQEMTNILY

ClinVar aggregate classification (germline): Uncertain significance (1 of 4 stars; one submission).

Allele frequency attached by ClinVar (database versions not stated): gnomAD exomes 0.00001.
gnomAD v4.1: 3 of 1,613,992 alleles (0.00019%); highest among the groups gnomAD compares: Non-Finnish European, 0.00025%; no homozygotes.

Submission:

GeneDx
Classification: Uncertain significance. Last evaluated: 2020-01-14. Review status: criteria provided, single submitter. Criteria: GeneDx Variant Classification Process June 2021. Collection method: clinical testing. Allele origin: germline. Affected: yes.
Comment: Not observed in large population cohorts (Lek et al., 2016); The majority of missense variants in this gene are considered pathogenic (Stenson et al., 2014); In silico analysis, which includes protein predictors and evolutionary conservation, supports a deleterious effect; Has not been previously published as pathogenic or benign to our knowledge